The following is an entry in ClinVar:

NM_199420.4(POLQ):c.6914A>G (p.Asp2305Gly)

Gene: POLQ (DNA polymerase theta; minus strand). Cytogenetic location: 3q13.33.
Variant type: single nucleotide variant.
Coding change: c.6914A>G on transcript NM_199420.4 (MANE Select); coding-DNA position 6914, A replaced by G.
Protein change: p.Asp2305Gly; replaces aspartic acid 2305 with glycine.
Molecular consequence: missense variant.
Genome position (GRCh38, 1-based): chr3:121,467,572, T>C on the plus strand (A>G on the coding strand, the complement: POLQ is on the minus strand). VCF-style: chr3-121467572-T-C. GRCh37 (hg19) VCF-style: chr3-121186419-T-C.
Other names: short protein forms D2305G.
Identifiers: ClinVar variation 1756140 (VCV001756140.2), dbSNP rs2546770119, ClinGen allele CA354110162.

ClinVar aggregate classification (germline): Uncertain significance (1 of 4 stars; one submission).

Allele frequency attached by ClinVar (database versions not stated): gnomAD exomes below 0.00001.
gnomAD v4.1: 4 of 1,613,988 alleles (0.00025%); highest among the groups gnomAD compares: Non-Finnish European, 0.00034%; no homozygotes.

Submission:

Ambry Genetics
Classification: Uncertain significance. Last evaluated: 2022-07-15. Review status: criteria provided, single submitter. Criteria: Ambry Variant Classification Scheme 2023. Collection method: clinical testing. Allele origin: germline.
Comment: The p.D2305G variant (also known as c.6914A>G), located in coding exon 24 of the POLQ gene, results from an A to G substitution at nucleotide position 6914. The aspartic acid at codon 2305 is replaced by glycine, an amino acid with similar properties. This amino acid position is conserved. In addition, this alteration is predicted to be tolerated by in silico analysis. Since supporting evidence is limited at this time, the clinical significance of this alteration remains unclear.